The following is an entry in ClinVar:

ClinVar aggregate classification (germline): Uncertain significance (1 of 4 stars; one submission).

Conditions:
Hereditary sensory and autonomic neuropathy type 6. Also called: Neuropathy, hereditary sensory and autonomic, type VI; HSAN VI. Identifiers: Orphanet 314381, MedGen C3539003, MONDO:0013839, OMIM 614653.
Epidermolysis bullosa simplex 3, localized or generalized intermediate, with BP230 deficiency (EBS3). Also called: Epidermolysis bullosa simplex due to BP230 deficiency; Epidermolysis bullosa simplex, autosomal recessive 2. Identifiers: Orphanet 412181, MedGen C3809470, MONDO:0014180, OMIM 615425.

Allele frequency attached by ClinVar (database versions not stated): gnomAD exomes 0.00001.
gnomAD v4.1: 5 of 1,613,746 alleles (0.00031%); highest among the groups gnomAD compares: Non-Finnish European, 0.00042%; no homozygotes.

Submission:

Labcorp Genetics (formerly Invitae), Labcorp
Classification: Uncertain significance for Epidermolysis bullosa simplex 3, localized or generalized intermediate, with BP230 deficiency; Hereditary sensory and autonomic neuropathy type 6. Last evaluated: 2026-01-14. Review status: criteria provided, single submitter. Criteria: Invitae Variant Classification Sherloc (09022015). Collection method: clinical testing. Allele origin: germline.
Comment: The DST gene has multiple clinically relevant transcripts. This variant occurs in alternate transcript NM_015548.4, and corresponds to NM_001723.5:c.*123126G>C in the primary transcript. This sequence change replaces glutamic acid, which is acidic and polar, with glutamine, which is neutral and polar, at codon 4242 of the DST protein (p.Glu4242Gln). This variant is not present in population databases (gnomAD no frequency). This variant has not been reported in the literature in individuals affected with DST-related conditions. Experimental studies and prediction algorithms are not available or were not evaluated, and the functional significance of this variant is currently unknown. In summary, the available evidence is currently insufficient to determine the role of this variant in disease. Therefore, it has been classified as a Variant of Uncertain Significance.

NM_001374736.1(DST):c.20593G>C (p.Glu6865Gln)

Gene: DST (dystonin; minus strand). Cytogenetic location: 6p12.1.
Variant type: single nucleotide variant.
Coding change: c.20593G>C on transcript NM_001374736.1 (MANE Select); coding-DNA position 20593, G replaced by C.
Protein change: p.Glu6865Gln; replaces glutamic acid 6865 with glutamine.
Molecular consequence: missense variant.
Genome position (GRCh38, 1-based): chr6:56,492,391, C>G on the plus strand (G>C on the coding strand, the complement: DST is on the minus strand). VCF-style: chr6-56492391-C-G. GRCh37 (hg19) VCF-style: chr6-56357189-C-G.
Other names: c.14236G>C, p.Glu4746Gln (NM_001144769.5); c.13822G>C, p.Glu4608Gln (NM_001144770.2); c.20593G>C, p.Glu6865Gln (NM_001374722.1); c.19633G>C, p.Glu6545Gln (NM_001374729.1); c.13375G>C, p.Glu4459Gln (NM_001374730.1); c.20620G>C, p.Glu6874Gln (NM_001374734.1); c.13702G>C, p.Glu4568Gln (NM_001386100.1, NM_183380.4); c.12724G>C, p.Glu4242Gln (NM_015548.5); short protein forms E4242Q, E6874Q, E4459Q, E4568Q, E6545Q, E4746Q, E6865Q, E4608Q.
Identifiers: ClinVar variation 1505318 (VCV001505318.5), dbSNP rs34664998, ClinGen allele CA139186777.